The following is an entry in ClinVar:

ClinVar aggregate classification (germline): Benign. Review status: criteria provided, multiple submitters, no conflicts (2 of 4 stars). 6 submissions from 6 submitters: Benign (5). 1 of the submissions does not count toward it. Last evaluated 2026-02-01.

Conditions:
Glycogen storage disease type X (GSD10). Also called: GSD X; PGAMM DEFICIENCY; PHOSPHOGLYCERATE MUTASE, MUSCLE, DEFICIENCY OF; MYOPATHY DUE TO PHOSPHOGLYCERATE MUTASE DEFICIENCY; Dimauro disease; Glycogen storage disease due to phosphoglycerate mutase deficiency. Identifiers: Orphanet 97234, MedGen C0268149, MONDO:0009865, OMIM 261670.

Allele frequency attached by ClinVar (database versions not stated): ExAC 0.00443; 1000 Genomes Project 0.01038; 1000 Genomes Project 30x 0.01077; ESP Exome Variant Server 0.01676; gnomAD exomes 0.00129 and 0.00365; gnomAD 0.01365 and 0.01481; TOPMed 0.01567.
gnomAD v4.1: 4,040 of 1,613,580 alleles (0.25%); highest among the groups gnomAD compares: African/African-American, 4.6%; 89 homozygotes.

Submissions (6):

Labcorp Genetics (formerly Invitae), Labcorp
Classification: Benign for Glycogen storage disease type X. Last evaluated: 2026-02-01. Review status: criteria provided, single submitter. Criteria: Invitae Variant Classification Sherloc (09022015). Collection method: clinical testing. Allele origin: germline.

ARUP Laboratories, Molecular Genetics and Genomics, ARUP Laboratories
Classification: Benign for Glycogen storage disease type X. Last evaluated: 2025-05-09. Review status: criteria provided, single submitter. Criteria: ARUP Molecular Germline Variant Investigation Process 2024. Collection method: clinical testing. Allele origin: germline.

Illumina Laboratory Services, Illumina
Classification: Benign for Glycogen storage disease type X. Last evaluated: 2018-01-13. Review status: criteria provided, single submitter. Criteria: ICSL Variant Classification Criteria 13 December 2019. Collection method: clinical testing. Allele origin: germline.
Comment: This variant was observed in the ICSL laboratory as part of a predisposition screen in an ostensibly healthy population. It had not been previously curated by ICSL or reported in the Human Gene Mutation Database (HGMD: prior to June 1st, 2018), and was therefore a candidate for classification through an automated scoring system. Utilizing variant allele frequency, disease prevalence and penetrance estimates, and inheritance mode, an automated score was calculated to assess if this variant is too frequent to cause the disease. Based on the score and internal cut-off values, a variant classified as benign is not then subjected to further curation. The score for this variant resulted in a classification of benign for this disease.

GeneDx
Classification: Benign. Last evaluated: 2016-02-15. Review status: criteria provided, single submitter. Criteria: GeneDx Variant Classification (06012015). Collection method: clinical testing. Allele origin: germline. Affected: yes.
Comment: This variant is considered likely benign or benign based on one or more of the following criteria: it is a conservative change, it occurs at a poorly conserved position in the protein, it is predicted to be benign by multiple in silico algorithms, and/or has population frequency not consistent with disease.

Eurofins Ntd Llc (ga)
Classification: Benign. Last evaluated: 2014-12-29. Review status: criteria provided, single submitter. Criteria: EGL Classification Definitions 2015. Collection method: clinical testing. Allele origin: germline. Observed: 1 variant allele, 1 heterozygote.

Mayo Clinic Laboratories, Mayo Clinic
Classification: Benign. Last evaluated: 2017-05-24. Review status: no assertion criteria provided. Collection method: clinical testing. Allele origin: unknown. Not counted in ClinVar's aggregate classification.

NM_000290.4(PGAM2):c.216C>T (p.Asp72=)

Genes: DBNL (drebrin like; plus strand), PGAM2 (phosphoglycerate mutase 2; minus strand), LOC129998343 (ATAC-STARR-seq lymphoblastoid active region 25926; plus strand). Cytogenetic location: 7p13.
Variant type: single nucleotide variant.
Coding change: c.216C>T on transcript NM_000290.4 (MANE Select); coding-DNA position 216, C replaced by T.
Protein change: p.Asp72=; no amino-acid change (aspartic acid 72 retained).
Molecular consequence: synonymous variant. On other transcripts: 3 prime UTR variant (6).
Genome position (GRCh38, 1-based): chr7:44,065,314, G>A on the plus strand (C>T on the coding strand, the complement: PGAM2 is on the minus strand). VCF-style: chr7-44065314-G-A. GRCh37 (hg19) VCF-style: chr7-44104913-G-A.
Other names: c.*4398G>A (NM_001014436.3, NM_001122956.2, NM_001284313.2 and 3 more transcripts).
Identifiers: ClinVar variation 193078 (VCV000193078.31), dbSNP rs111656877, ClinGen allele CA200300.